The following is an entry in ClinVar:

ClinVar aggregate classification (germline): Uncertain significance (1 of 4 stars; one submission).

Allele frequency attached by ClinVar (database versions not stated): gnomAD exomes below 0.00001; gnomAD 0.00001; TOPMed 0.00001.
gnomAD v4.1: 8 of 1,613,772 alleles (0.0005%); highest among the groups gnomAD compares: Non-Finnish European, 0.00068%; no homozygotes.

Submission:

Labcorp Genetics (formerly Invitae), Labcorp
Classification: Uncertain significance. Last evaluated: 2021-04-30. Review status: criteria provided, single submitter. Criteria: Invitae Variant Classification Sherloc (09022015). Collection method: clinical testing. Allele origin: germline.
Comment: In summary, the available evidence is currently insufficient to determine the role of this variant in disease. Therefore, it has been classified as a Variant of Uncertain Significance. Algorithms developed to predict the effect of missense changes on protein structure and function output the following: SIFT: "Tolerated"; PolyPhen-2: "Benign"; Align-GVGD: "Class C0". The glutamic acid amino acid residue is found in multiple mammalian species, suggesting that this missense change does not adversely affect protein function. These predictions have not been confirmed by published functional studies and their clinical significance is uncertain. This variant has not been reported in the literature in individuals with POLG2-related conditions. This variant is not present in population databases (ExAC no frequency). This sequence change replaces glutamine with glutamic acid at codon 279 of the POLG2 protein (p.Gln279Glu). The glutamine residue is moderately conserved and there is a small physicochemical difference between glutamine and glutamic acid.

NM_007215.4(POLG2):c.835C>G (p.Gln279Glu)

Genes: MILR1 (mast cell immunoglobulin like receptor 1; plus strand), POLG2 (DNA polymerase gamma 2, accessory subunit; minus strand). Cytogenetic location: 17q23.3.
Variant type: single nucleotide variant.
Coding change: c.835C>G on transcript NM_007215.4 (MANE Select); coding-DNA position 835, C replaced by G.
Protein change: p.Gln279Glu; replaces glutamine 279 with glutamic acid.
Molecular consequence: missense variant.
Genome position (GRCh38, 1-based): chr17:64,490,930, G>C on the plus strand (C>G on the coding strand, the complement: POLG2 is on the minus strand). VCF-style: chr17-64490930-G-C. GRCh37 (hg19) VCF-style: chr17-62487047-G-C.
Other names: short protein forms Q279E.
Identifiers: ClinVar variation 1423423 (VCV001423423.8), dbSNP rs1221924684, ClinGen allele CA400638694.